The following is an entry in ClinVar:

NM_001042492.3(NF1):c.952del (p.Glu318fs)

Gene: NF1 (neurofibromin 1; plus strand). Cytogenetic location: 17q11.2.
Variant type: Deletion.
Coding change: c.952del on transcript NM_001042492.3 (MANE Select); coding-DNA position 952, one base deleted (G; older notation c.952delG).
Protein change: p.Glu318fs; shifts the reading frame from glutamic acid 318.
Molecular consequence: frameshift variant.
Genome position (GRCh38, 1-based): chr17:31,200,485, G deleted. VCF-style (leftmost placement, unchanged base first): chr17-31200484-AG-A. GRCh37 (hg19) VCF-style: chr17-29527502-AG-A.
Other names: c.952delG (NM_000267.3); c.952delG, p.Glu318Lysfs (NM_000267.4); c.952del, p.Glu318fs (NM_001128147.3); short protein forms E318fs.
Identifiers: ClinVar variation 457877 (VCV000457877.7), dbSNP rs1555610881, ClinGen allele CA658656564.
Genomic context (GRCh38, chr17:31,200,484, plus strand): 5'-GTTATTTCTGGACAGTCTACGAAAAGCTCTTGCTGGCCATGGAGGAAGTAGGCAGCTGAC[AG>A]AAAGTGCTGCAATTGCCTGTGTCAAACTGTGTAAAGCAAGTACTTACATCAATTGGGAAG-3'

ClinVar aggregate classification (germline): Pathogenic. Review status: criteria provided, multiple submitters, no conflicts (2 of 4 stars). 3 submissions from 3 submitters: Pathogenic (3). Last evaluated 2023-08-29.

Conditions:
Neurofibromatosis, type 1 (NF1). Also called: VON RECKLINGHAUSEN DISEASE; NEUROFIBROMATOSIS, TYPE I, SOMATIC; Peripheral type neurofibromatosis; Neurofibromatosis, type I. Identifiers: Orphanet 636, MedGen C0027831, MONDO:0018975, OMIM 162200. Disease mechanism: loss of function.
Cardiovascular phenotype. Identifiers: MedGen CN230736.
Hereditary cancer-predisposing syndrome. Also called: Hereditary Cancer Syndrome; Hereditary neoplastic syndrome; Tumor predisposition; Neoplastic Syndromes, Hereditary. Identifiers: Orphanet 140162, MedGen C0027672, MeSH D009386, MONDO:0015356.
Juvenile myelomonocytic leukemia (JMML). Also called: LEUKEMIA, JUVENILE MYELOMONOCYTIC, SOMATIC. Identifiers: Orphanet 86834, MedGen C0349639, MONDO:0011908, OMIM 607785, HP:0012209.

Submissions (3):

Ambry Genetics
Classification: Pathogenic for Cardiovascular phenotype; Hereditary cancer-predisposing syndrome. Last evaluated: 2023-08-29. Review status: criteria provided, single submitter. Criteria: Ambry Variant Classification Scheme 2023. Collection method: clinical testing. Allele origin: germline.
Comment: The c.952delG pathogenic mutation, located in coding exon 9 of the NF1 gene, results from a deletion of one nucleotide at nucleotide position 952, causing a translational frameshift with a predicted alternate stop codon (p.E318Kfs*58). This alteration was identified amongst a cohort of 1985 patients with a clinical diagnosis or symptoms of NF1 (van Minkelen R et al. Clin Genet, 2014 Apr;85:318-27). This variant is considered to be rare based on population cohorts in the Genome Aggregation Database (gnomAD). In addition to the clinical data presented in the literature, this alteration is expected to result in loss of function by premature protein truncation or nonsense-mediated mRNA decay. As such, this alteration is interpreted as a disease-causing mutation.

Baylor Genetics
Classification: Pathogenic for Juvenile myelomonocytic leukemia. Last evaluated: 2022-11-18. Review status: criteria provided, single submitter. Criteria: ACMG Guidelines, 2015. Collection method: clinical testing. Allele origin: unknown.

Labcorp Genetics (formerly Invitae), Labcorp
Classification: Pathogenic for Neurofibromatosis, type 1. Last evaluated: 2022-09-19. Review status: criteria provided, single submitter. Criteria: Invitae Variant Classification Sherloc (09022015). Collection method: clinical testing. Allele origin: germline.
Comment: This sequence change creates a premature translational stop signal (p.Glu318Lysfs*58) in the NF1 gene. It is expected to result in an absent or disrupted protein product. Loss-of-function variants in NF1 are known to be pathogenic (PMID: 10712197, 23913538). This variant is not present in population databases (gnomAD no frequency). This premature translational stop signal has been observed in individual(s) with neurofibromatosis type 1 (PMID: 21520333, 23656349). ClinVar contains an entry for this variant (Variation ID: 457877). For these reasons, this variant has been classified as Pathogenic.

Literature cited by the submitters: PubMed 10712197 (cited by Labcorp Genetics (formerly Invitae), Labcorp); PubMed 23913538 (cited by Labcorp Genetics (formerly Invitae), Labcorp); PubMed 21520333 (cited by Labcorp Genetics (formerly Invitae), Labcorp); PubMed 23656349 (cited by Labcorp Genetics (formerly Invitae), Labcorp).